The following is an entry in ClinVar:

ClinVar aggregate classification (germline): Uncertain significance (1 of 4 stars; one submission).

Submission:

Labcorp Genetics (formerly Invitae), Labcorp
Classification: Uncertain significance. Last evaluated: 2022-04-13. Review status: criteria provided, single submitter. Criteria: Invitae Variant Classification Sherloc (09022015). Collection method: clinical testing. Allele origin: germline.
Comment: This sequence change replaces aspartic acid, which is acidic and polar, with glycine, which is neutral and non-polar, at codon 3191 of the VCAN protein (p.Asp3191Gly). This variant is not present in population databases (gnomAD no frequency). This variant has not been reported in the literature in individuals affected with VCAN-related conditions. Algorithms developed to predict the effect of missense changes on protein structure and function (SIFT, PolyPhen-2, Align-GVGD) all suggest that this variant is likely to be disruptive. In summary, the available evidence is currently insufficient to determine the role of this variant in disease. Therefore, it has been classified as a Variant of Uncertain Significance.

NM_004385.5(VCAN):c.9572A>G (p.Asp3191Gly)

Genes: VCAN (versican; plus strand), VCAN-AS1 (VCAN antisense RNA 1; minus strand). Cytogenetic location: 5q14.3.
Variant type: single nucleotide variant.
Coding change: c.9572A>G on transcript NM_004385.5 (MANE Select); coding-DNA position 9572, A replaced by G.
Protein change: p.Asp3191Gly; replaces aspartic acid 3191 with glycine.
Molecular consequence: missense variant.
Genome position (GRCh38, 1-based): chr5:83,553,442, A>G. VCF-style: chr5-83553442-A-G. GRCh37 (hg19) VCF-style: chr5-82849261-A-G.
Other names: c.1349A>G, p.Asp450Gly (NM_001126336.3); c.6611A>G, p.Asp2204Gly (NM_001164097.2); c.4310A>G, p.Asp1437Gly (NM_001164098.2); short protein forms D2204G, D3191G, D1437G, D450G.
Identifiers: ClinVar variation 2126042 (VCV002126042.4), dbSNP rs2479154184, ClinGen allele CA360297420.
Genomic context (GRCh38, chr5:83,553,442, plus strand): 5'-ATGGCTGGCACAAATTCCAAGGGCAGTGCTACAAATACTTTGCCCATCGACGCACATGGG[A>G]TGCAGCTGAACGGGAATGCCGTCTGCAGGGTGCCCATCTCACAAGCATCCTGTCTCACGA-3'
Protein context (NP_004376.2, residues 3181-3201): YKYFAHRRTW[Asp3191Gly]AAERECRLQG